The following is an entry in ClinVar:

ClinVar aggregate classification (germline): Uncertain significance (1 of 4 stars; one submission).

gnomAD v4.1: 1 of 1,612,502 alleles (0.000062%); highest among the groups gnomAD compares: Non-Finnish European, 0.000085%; no homozygotes.

Submission:

GeneDx
Classification: Uncertain significance. Last evaluated: 2025-05-04. Review status: criteria provided, single submitter. Criteria: GeneDx Variant Classification Process June 2021. Collection method: clinical testing. Allele origin: germline. Affected: yes.
Comment: Not observed at significant frequency in large population cohorts (gnomAD); In silico analysis supports that this missense variant has a deleterious effect on protein structure/function; Has not been previously published as pathogenic or benign to our knowledge; Not located in the triple helical region, where the majority of pathogenic missense variants occur (HGMD; PMID: 25240749); This variant is associated with the following publications: (PMID: 25240749)

NM_001854.4(COL11A1):c.329G>T (p.Gly110Val)

Gene: COL11A1 (collagen type XI alpha 1 chain; minus strand). Cytogenetic location: 1p21.1.
Variant type: single nucleotide variant.
Coding change: c.329G>T on transcript NM_001854.4 (MANE Select); coding-DNA position 329, G replaced by T.
Protein change: p.Gly110Val; replaces glycine 110 with valine.
Molecular consequence: missense variant. On other transcripts: non-coding transcript variant (1).
Genome position (GRCh38, 1-based): chr1:103,078,817, C>A on the plus strand (G>T on the coding strand, the complement: COL11A1 is on the minus strand). VCF-style: chr1-103078817-C-A. GRCh37 (hg19) VCF-style: chr1-103544373-C-A.
Other names: c.329G>T, p.Gly110Val (NM_001190709.2, NM_080629.3, NM_080630.4); short protein forms G110V.
Identifiers: ClinVar variation 4526923 (VCV004526923.1).